The following is an entry in ClinVar:

ClinVar aggregate classification (germline): Uncertain significance. Review status: criteria provided, multiple submitters, no conflicts (2 of 4 stars). 2 submissions from 2 submitters: Uncertain significance (2). Last evaluated 2025-08-20.
ClinVar aggregate classification (somatic clinical impact): Tier I - Strong (1 of 4 stars; one submission).
ClinVar aggregate classification (oncogenicity): Likely oncogenic (1 of 4 stars; one submission).

Conditions:
Hereditary cancer-predisposing syndrome. Also called: Hereditary neoplastic syndrome; Tumor predisposition; Neoplastic Syndromes, Hereditary; Hereditary Cancer Syndrome. Identifiers: Orphanet 140162, MedGen C0027672, MeSH D009386, MONDO:0015356.
EGFR-related lung cancer (EGFR). Identifiers: MedGen CN130014.
Diffuse pediatric-type high-grade glioma, H3-wildtype and IDH-wildtype. Identifiers: MedGen C5669918, MONDO:0858939.
Neoplasm. Also called: tumor; Neoplasms; Neoplasm (disease). Identifiers: MedGen C0027651, MeSH D009369, MONDO:0005070, HP:0002664.

Allele frequency attached by ClinVar (database versions not stated): gnomAD exomes below 0.00001.
gnomAD v4.1: 8 of 1,614,156 alleles (0.0005%); highest among the groups gnomAD compares: Admixed American, 0.0017%; no homozygotes.

Submissions (4):

Center for Genomic Medicine, Rigshospitalet, Copenhagen University Hospital
Classification: Likely oncogenic for Neoplasm. Last evaluated: 2025-12-29. Review status: criteria provided, single submitter. Criteria: ClinGen/CGC/VICC Guidelines for Oncogenicity, 2022. Collection method: clinical testing. Allele origin: somatic. Affected: yes.

Ambry Genetics
Classification: Uncertain significance for Hereditary cancer-predisposing syndrome. Last evaluated: 2025-08-20. Review status: criteria provided, single submitter. Criteria: Ambry Variant Classification Scheme 2023. Collection method: clinical testing. Allele origin: germline.
Comment: The p.V774M variant (also known as c.2320G>A), located in coding exon 20 of the EGFR gene, results from a G to A substitution at nucleotide position 2320. The valine at codon 774 is replaced by methionine, an amino acid with highly similar properties. This amino acid position is highly conserved in available vertebrate species. In addition, this alteration is predicted to be deleterious by in silico analysis. Based on the available evidence, the clinical significance of this variant remains unclear.

Labcorp Genetics (formerly Invitae), Labcorp
Classification: Uncertain significance for EGFR-related lung cancer. Last evaluated: 2024-09-17. Review status: criteria provided, single submitter. Criteria: Invitae Variant Classification Sherloc (09022015). Collection method: clinical testing. Allele origin: germline.
Comment: This sequence change replaces valine, which is neutral and non-polar, with methionine, which is neutral and non-polar, at codon 774 of the EGFR protein (p.Val774Met). This variant is present in population databases (rs567477136, gnomAD 0.0009%). This variant has not been reported in the literature in individuals affected with EGFR-related conditions. ClinVar contains an entry for this variant (Variation ID: 956085). Invitae Evidence Modeling of protein sequence and biophysical properties (such as structural, functional, and spatial information, amino acid conservation, physicochemical variation, residue mobility, and thermodynamic stability) indicates that this missense variant is not expected to disrupt EGFR protein function with a negative predictive value of 80%. In summary, the available evidence is currently insufficient to determine the role of this variant in disease. Therefore, it has been classified as a Variant of Uncertain Significance.

Institute for Genomic Medicine (IGM) Clinical Laboratory, Nationwide Children's Hospital
Classification: Tier I - Strong for Diffuse pediatric-type high-grade glioma, H3-wildtype and IDH-wildtype. Assertion type: diagnostic. Clinical significance: supports diagnosis. Last evaluated: 2024-06-11. Review status: criteria provided, single submitter. Criteria: AMP/ASCO/CAP Guidelines, 2017. Collection method: clinical testing. Allele origin: somatic. Affected: yes.
Comment: Variant has Tier I (strong) clinical significance as a diagnostic inclusion criterion in diffuse pediatric-type high-grade glioma, H3-wildtype and IDH-wildtype, based on the following evidence: 1) Documented in one or more cancer databases (e.g., St. Jude Pecan, COSMIC, CIViC, OncoKB). 2) Appears in one or more well-established professional guidelines (e.g., World Health Organization [WHO]; National Comprehensive Cancer Network [NCCN]) as providing diagnostic, prognostic, or therapeutic information. 3) Diagnostic for a specific tumor type/classification based on well-powered studies with expert-level consensus (Evidence Level B; PMIDs: 28481359, 28966033, 24705251, 29763623, 28912153, 35332262).

Literature cited by the submitters: PubMed 35304574 (cited by Center for Genomic Medicine, Rigshospitalet, Copenhagen University Hospital); PubMed 21531810 (cited by Center for Genomic Medicine, Rigshospitalet, Copenhagen University Hospital); PubMed 28481359 (cited by Institute for Genomic Medicine (IGM) Clinical Laboratory, Nationwide Children's Hospital); PubMed 28966033 (cited by Institute for Genomic Medicine (IGM) Clinical Laboratory, Nationwide Children's Hospital); PubMed 24705251 (cited by Institute for Genomic Medicine (IGM) Clinical Laboratory, Nationwide Children's Hospital); PubMed 29763623 (cited by Institute for Genomic Medicine (IGM) Clinical Laboratory, Nationwide Children's Hospital); PubMed 28912153 (cited by Institute for Genomic Medicine (IGM) Clinical Laboratory, Nationwide Children's Hospital); PubMed 35332262 (cited by Institute for Genomic Medicine (IGM) Clinical Laboratory, Nationwide Children's Hospital).

NM_005228.5(EGFR):c.2320G>A (p.Val774Met)

Genes: EGFR-AS1 (EGFR antisense RNA 1; minus strand), EGFR (epidermal growth factor receptor; plus strand). Cytogenetic location: 7p11.2.
Variant type: single nucleotide variant.
Coding change: c.2320G>A on transcript NM_005228.5 (MANE Select); coding-DNA position 2320, G replaced by A.
Protein change: p.Val774Met; replaces valine 774 with methionine.
Molecular consequence: missense variant. On other transcripts: non-coding transcript variant (1).
Genome position (GRCh38, 1-based): chr7:55,181,329, G>A. VCF-style: chr7-55181329-G-A. GRCh37 (hg19) VCF-style: chr7-55249022-G-A.
Other names: c.2185G>A, p.Val729Met (NM_001346897.2, NM_001346899.2); c.2320G>A, p.Val774Met (NM_001346898.2); c.2161G>A, p.Val721Met (NM_001346900.2); c.1519G>A, p.Val507Met (NM_001346941.2); short protein forms V729M, V774M, V721M, V507M.
Identifiers: ClinVar variation 956085 (VCV000956085.9), dbSNP rs567477136, ClinGen allele CA158928427.